The following continues an entry in ClinVar:

NM_001927.4(DES):c.934G>A (p.Asp312Asn)

Gene: DES. ClinVar aggregate classification (germline): Conflicting classifications of pathogenicity. Uncertain significance (18); Benign (1); Likely benign (1).

Submissions 11 to 21 of 21:

New York Genome Center
Classification: Uncertain significance for Dilated cardiomyopathy 1I; Neurogenic scapuloperoneal syndrome, Kaeser type; Desmin-related myofibrillar myopathy. Last evaluated: 2021-05-21. Review status: criteria provided, single submitter. Criteria: NYGC Assertion Criteria 2020. Collection method: clinical testing. Allele origin: germline. Observed: 1 heterozygote. Study: CSER-NYCKidSeq.

Revvity Omics, Revvity
Classification: Uncertain significance. Last evaluated: 2019-07-18. Review status: criteria provided, single submitter. Criteria: ACMG Guidelines, 2015. Collection method: clinical testing. Allele origin: germline.

Mendelics
Classification: Uncertain significance for Desmin-related myofibrillar myopathy. Last evaluated: 2019-05-28. Review status: criteria provided, single submitter. Criteria: Mendelics Assertion Criteria 2017. Collection method: clinical testing. Allele origin: unknown.

Eurofins Ntd Llc (ga)
Classification: Uncertain significance. Last evaluated: 2018-02-27. Review status: criteria provided, single submitter. Criteria: EGL ClinVar v180209 classification definitions. Collection method: clinical testing. Allele origin: germline. Observed: 5 variant alleles, 5 heterozygotes.

Athena Diagnostics
Classification: Uncertain significance. Last evaluated: 2017-09-26. Review status: criteria provided, single submitter. Criteria: Athena Diagnostics Criteria. Collection method: clinical testing. Allele origin: germline.

Illumina Laboratory Services, Illumina
Classification: Uncertain significance for Dilated cardiomyopathy 1I. Last evaluated: 2017-04-27. Review status: criteria provided, single submitter. Criteria: ICSL Variant Classification Criteria 13 December 2019. Collection method: clinical testing. Allele origin: germline.
Comment: This variant was observed as part of a predisposition screen in an ostensibly healthy population. A literature search was performed for the gene, cDNA change, and amino acid change (where applicable). Publications were found based on this search. However, the evidence from the literature, in combination with allele frequency data from public databases where available, was not sufficient to rule this variant in or out of causing disease. Therefore, this variant is classified as a variant of unknown significance.

Illumina Laboratory Services, Illumina
Classification: Uncertain significance for Desmin-related myofibrillar myopathy. Last evaluated: 2017-04-27. Review status: criteria provided, single submitter. Criteria: ICSL Variant Classification Criteria 13 December 2019. Collection method: clinical testing. Allele origin: germline.

Illumina Laboratory Services, Illumina
Classification: Benign for Neurogenic scapuloperoneal syndrome, Kaeser type. Last evaluated: 2017-04-27. Review status: criteria provided, single submitter. Criteria: ICSL Variant Classification Criteria 13 December 2019. Collection method: clinical testing. Allele origin: germline.
Comment: This variant was observed as part of a predisposition screen in an ostensibly healthy population. A literature search was performed for the gene, cDNA change, and amino acid change (where applicable). No publications were found based on this search. Allele frequency data from public databases was too high to be consistent with this variant causing disease. Therefore, this variant is classified as benign.

CHEO Genetics Diagnostic Laboratory, Children's Hospital of Eastern Ontario
Classification: Uncertain significance for Cardiomyopathy. Last evaluated: 2015-11-23. Review status: criteria provided, single submitter. Criteria: ACMG Guidelines, 2015. Collection method: clinical testing. Allele origin: germline. Study: Canadian Open Genetics Repository.

Genetics and Genomics Program, Sidra Medicine
Classification: Uncertain significance for Primary dilated cardiomyopathy. Review status: criteria provided, single submitter. Criteria: ACMG Guidelines, 2015. Collection method: research. Allele origin: unknown. Affected: yes. Observed: 1 variant allele.

Epithelial Biology;  Institute of Medical Biology, Singapore
No classification provided. Review status: no classification provided. Collection method: not provided. Allele origin: not provided. Not counted in ClinVar's aggregate classification.

Literature cited by the submitters: PubMed 17325244 (cited by 7 submitters); PubMed 24503780 (cited by 3 submitters); PubMed 34935411 (cited by Labcorp Genetics (formerly Invitae), Labcorp and Women's Health and Genetics/Laboratory Corporation of America, LabCorp); PubMed 37652022 (cited by Labcorp Genetics (formerly Invitae), Labcorp and Women's Health and Genetics/Laboratory Corporation of America, LabCorp); PubMed 23299917 (cited by 4 submitters); PubMed 32403337 (cited by 3 submitters); PubMed 34045587 (cited by Mayo Clinic Laboratories, Mayo Clinic); PubMed 30615648 (cited by Ambry Genetics); PubMed 34426522 (cited by Ambry Genetics); PubMed 19181099 (cited by Illumina Laboratory Services, Illumina); PubMed 23143191 (cited by Illumina Laboratory Services, Illumina); PubMed 22337857 (cited by Illumina Laboratory Services, Illumina).